The following is an entry in ClinVar:

NM_004446.3(EPRS1):c.4309C>T (p.Leu1437=)

Gene: EPRS1 (glutamyl-prolyl-tRNA synthetase 1; minus strand). Cytogenetic location: 1q41.
Variant type: single nucleotide variant.
Coding change: c.4309C>T on transcript NM_004446.3 (MANE Select); coding-DNA position 4309, C replaced by T.
Protein change: p.Leu1437=; no amino-acid change (leucine 1437 retained).
Molecular consequence: synonymous variant.
Genome position (GRCh38, 1-based): chr1:219,972,083, G>A on the plus strand (C>T on the coding strand, the complement: EPRS1 is on the minus strand). VCF-style: chr1-219972083-G-A. GRCh37 (hg19) VCF-style: chr1-220145425-G-A.
Other names: c.4309C>T (NM_004446.2).
Identifiers: ClinVar variation 2723482 (VCV002723482.5), dbSNP rs148671123, ClinGen allele CA1399449.

ClinVar aggregate classification (germline): Likely benign. Review status: criteria provided, single submitter (1 of 4 stars). 2 submissions from 2 submitters: Likely benign (1). 1 of the submissions does not count toward it. Last evaluated 2023-07-03.

Conditions:
EPRS1-related disorder. Also called: EPRS1-related condition.

Allele frequency attached by ClinVar (database versions not stated): 1000 Genomes Project 0.00060; 1000 Genomes Project 30x 0.00062.
gnomAD v4.1: 82 of 1,593,198 alleles (0.0051%); highest among the groups gnomAD compares: African/African-American, 0.11%; no homozygotes.

Submissions (2):

Labcorp Genetics (formerly Invitae), Labcorp
Classification: Likely benign. Last evaluated: 2023-07-03. Review status: criteria provided, single submitter. Criteria: Invitae Variant Classification Sherloc (09022015). Collection method: clinical testing. Allele origin: germline.

PreventionGenetics, part of Exact Sciences
Classification: Likely benign for EPRS1-related condition. Last evaluated: 2019-02-25. Review status: no assertion criteria provided. Collection method: clinical testing. Allele origin: germline. Not counted in ClinVar's aggregate classification.
Comment: This variant is classified as likely benign based on ACMG/AMP sequence variant interpretation guidelines (Richards et al. 2015 PMID: 25741868, with internal and published modifications).